The following is an entry in ClinVar:

ClinVar aggregate classification (germline): Pathogenic (3 of 4 stars; one submission).

Conditions:
Phenylketonuria (PKU). Also called: FOLLING DISEASE; Phenylketonuria (PKU); OLIGOPHRENIA PHENYLPYRUVICA; Phenylketonurias. Identifiers: Orphanet 716, MedGen C0031485, MONDO:0009861, OMIM 261600. Disease mechanism: loss of function.

Submission:

ClinGen PAH Variant Curation Expert Panel
Classification: Pathogenic for Phenylketonuria. Last evaluated: 2019-11-05. Review status: reviewed by expert panel. Criteria: ClinGen PAH ACMG Specifications v1. Collection method: curation. Allele origin: germline. Inheritance: Autosomal recessive inheritance.
Comment: This c.1200-1G>C (IVS11-1G>C) variant in PAH was reported in 5 patients with PAH deficiency (PMID: 26503515, 30747360, 31102715). This variant is absent from the population databases ExAC and gnomAD. This variant in the -1 splice acceptor site results in exon skipping, which disrupts the reading frame. In summary, this variant meets criteria to be classified as pathogenic for PAH. PAH-specific ACMG/AMP criteria applied: PVS1_very strong, PM2, PP4_moderate, PM3_supporting.

Literature cited by the submitters: PubMed 31102715; PubMed 30747360; PubMed 28915855; PubMed 26503515.

NM_000277.3(PAH):c.1200-1G>C

Gene: PAH (phenylalanine hydroxylase; minus strand). Cytogenetic location: 12q23.2.
Variant type: single nucleotide variant.
Coding change: c.1200-1G>C on transcript NM_000277.3 (MANE Select); the canonical splice acceptor site of the intron before coding-DNA position 1200, G replaced by C.
Molecular consequence: splice acceptor variant.
Genome position (GRCh38, 1-based): chr12:102,840,516, C>G on the plus strand (G>C on the coding strand, the complement: PAH is on the minus strand). VCF-style: chr12-102840516-C-G. GRCh37 (hg19) VCF-style: chr12-103234294-C-G.
Other names: c.1200-1G>C (NM_001354304.2).
Identifiers: ClinVar variation 872843 (VCV000872843.1), dbSNP rs62507322, ClinGen allele CA16020966.